The following is an entry in ClinVar:

NC_000019.9:g.(?_33349326)_(33351576_?)del

Gene: SLC7A9 (solute carrier family 7 member 9; minus strand). Cytogenetic location: 19q13.11.
Variant type: Deletion.
Identifiers: ClinVar variation 2425932 (VCV002425932.4).

ClinVar aggregate classification (germline): Pathogenic (1 of 4 stars; one submission).

Submission:

Labcorp Genetics (formerly Invitae), Labcorp
Classification: Pathogenic. Last evaluated: 2022-09-04. Review status: criteria provided, single submitter. Criteria: Invitae Variant Classification Sherloc (09022015). Collection method: clinical testing. Allele origin: germline.
Comment: For these reasons, this variant has been classified as Pathogenic. This variant has not been reported in the literature in individuals affected with SLC7A9-related conditions. This variant is a gross deletion of the genomic region encompassing exon(s) 7-9 of the SLC7A9 gene. This deletion is expected to create a premature termination codon and result in an absent or disrupted protein product. Loss-of-function variants in SLC7A9 are known to be pathogenic (PMID: 11157794, 16838140, 25296721).

Literature cited by the submitters: PubMed 11157794; PubMed 16838140; PubMed 25296721.